The following is an entry in ClinVar:

ClinVar aggregate classification (germline): Likely benign. Review status: criteria provided, multiple submitters, no conflicts (2 of 4 stars). 8 submissions from 6 submitters: Likely benign (6). 2 of the submissions do not count toward it. Last evaluated 2025-06-25.

Conditions:
Dilated cardiomyopathy 1D. Identifiers: Orphanet 154, Orphanet 54260, MedGen C1832243, MONDO:0011095, OMIM 601494.
Hypertrophic cardiomyopathy 2. Also called: TNNT2-Related Familial Hypertrophic Cardiomyopathy. Identifiers: MedGen C1861864, MONDO:0007266, OMIM 115195.
Cardiomyopathy, familial restrictive, 3. Identifiers: Orphanet 75249, MedGen C2676271, MONDO:0012900, OMIM 612422.

Allele frequency attached by ClinVar (database versions not stated): TOPMed 0.00001; 1000 Genomes Project 0.00020; 1000 Genomes Project 30x 0.00031.

Submissions (8):

Labcorp Genetics (formerly Invitae), Labcorp
Classification: Likely benign for Cardiomyopathy, familial restrictive, 3; Hypertrophic cardiomyopathy 2; Dilated cardiomyopathy 1D. Last evaluated: 2025-06-25. Review status: criteria provided, single submitter. Criteria: Invitae Variant Classification Sherloc (09022015). Collection method: clinical testing. Allele origin: germline.

Genome-Nilou Lab
Classification: Likely benign for Dilated cardiomyopathy 1D. Last evaluated: 2023-04-11. Review status: criteria provided, single submitter. Criteria: ACMG Guidelines, 2015. Collection method: clinical testing. Allele origin: germline. Affected: no.

Genome-Nilou Lab
Classification: Likely benign for Cardiomyopathy, familial restrictive, 3. Last evaluated: 2023-04-11. Review status: criteria provided, single submitter. Criteria: ACMG Guidelines, 2015. Collection method: clinical testing. Allele origin: germline. Affected: no.

Genome-Nilou Lab
Classification: Likely benign for Hypertrophic cardiomyopathy 2. Last evaluated: 2023-04-11. Review status: criteria provided, single submitter. Criteria: ACMG Guidelines, 2015. Collection method: clinical testing. Allele origin: germline. Affected: no.

Blueprint Genetics
Classification: Likely benign. Last evaluated: 2020-07-20. Review status: criteria provided, single submitter. Criteria: ACMG Guidelines, 2015. Collection method: clinical testing. Allele origin: germline.

Laboratory for Molecular Medicine, Mass General Brigham Personalized Medicine
Classification: Likely benign. Last evaluated: 2014-04-17. Review status: criteria provided, single submitter. Criteria: LMM Criteria. Collection method: clinical testing. Allele origin: germline. Observed: 1 variant allele.
Comment: 689+13A>C in intron 13 of TNNT2: This variant is not expected to have clinical s ignificance because it is not located within the splice consensus sequence.

Clinical Genetics DNA and cytogenetics Diagnostics Lab, Erasmus MC, Erasmus Medical Center
Classification: Benign. Review status: no assertion criteria provided. Collection method: clinical testing. Allele origin: germline. Affected: yes. Study: VKGL Data-share Consensus. Not counted in ClinVar's aggregate classification.

Clinical Genetics, Academic Medical Center
Classification: Benign. Review status: no assertion criteria provided. Collection method: clinical testing. Allele origin: germline. Affected: yes. Study: VKGL Data-share Consensus. Not counted in ClinVar's aggregate classification.

NM_001276345.2(TNNT2):c.719+13A>C

Gene: TNNT2 (troponin T2, cardiac type; minus strand). Cytogenetic location: 1q32.1.
Variant type: single nucleotide variant.
Coding change: c.719+13A>C on transcript NM_001276345.2 (MANE Select); 13 bases into the intron after coding-DNA position 719, A replaced by C.
Molecular consequence: intron variant.
Genome position (GRCh38, 1-based): chr1:201,361,900, T>G on the plus strand (A>C on the coding strand, the complement: TNNT2 is on the minus strand). VCF-style: chr1-201361900-T-G. GRCh37 (hg19) VCF-style: chr1-201331028-T-G.
Other names: c.671+13A>C (NM_001001432.3); c.680+13A>C (NM_001001431.3); c.689+13A>C (NM_001001430.3, NM_001276347.2); c.590+13A>C (NM_001276346.2); c.710+13A>C (NM_000364.4).
Identifiers: ClinVar variation 165538 (VCV000165538.14), dbSNP rs563883763, ClinGen allele CA004961.